The following is an entry in ClinVar:

ClinVar aggregate classification (germline): Uncertain significance (1 of 4 stars; one submission).

Conditions:
Developmental and epileptic encephalopathy. Identifiers: MedGen C5779964, MONDO:0100620.

Allele frequency attached by ClinVar (database versions not stated): TOPMed below 0.00001; gnomAD exomes 0.00001; ExAC 0.00003.
gnomAD v4.1: 4 of 1,597,354 alleles (0.00025%); highest among the groups gnomAD compares: Admixed American, 0.005%; no homozygotes.

Submission:

Labcorp Genetics (formerly Invitae), Labcorp
Classification: Uncertain significance for Early-infantile DEE. Last evaluated: 2022-06-08. Review status: criteria provided, single submitter. Criteria: Invitae Variant Classification Sherloc (09022015). Collection method: clinical testing. Allele origin: germline.
Comment: This sequence change replaces alanine, which is neutral and non-polar, with threonine, which is neutral and polar, at codon 323 of the SLC25A22 protein (p.Ala323Thr). This variant is present in population databases (rs774103118, gnomAD 0.006%). This variant has not been reported in the literature in individuals affected with SLC25A22-related conditions. ClinVar contains an entry for this variant (Variation ID: 461382). Algorithms developed to predict the effect of missense changes on protein structure and function are either unavailable or do not agree on the potential impact of this missense change (SIFT: "Tolerated"; PolyPhen-2: "Probably Damaging"; Align-GVGD: "Class C0"). In summary, the available evidence is currently insufficient to determine the role of this variant in disease. Therefore, it has been classified as a Variant of Uncertain Significance.

NM_001191061.2(SLC25A22):c.967G>A (p.Ala323Thr)

Gene: SLC25A22 (solute carrier family 25 member 22; minus strand). Cytogenetic location: 11p15.5.
Variant type: single nucleotide variant.
Coding change: c.967G>A on transcript NM_001191061.2 (MANE Select); coding-DNA position 967, G replaced by A.
Protein change: p.Ala323Thr; replaces alanine 323 with threonine.
Molecular consequence: missense variant.
Genome position (GRCh38, 1-based): chr11:791,920, C>T on the plus strand (G>A on the coding strand, the complement: SLC25A22 is on the minus strand). VCF-style: chr11-791920-C-T. GRCh37 (hg19) VCF-style: chr11-791920-C-T.
Other names: c.967G>A, p.Ala323Thr (NM_001191060.2, NM_024698.6); short protein forms A323T.
Identifiers: ClinVar variation 461382 (VCV000461382.7), dbSNP rs774103118, ClinGen allele CA5788997.
Genomic context (GRCh38, chr11:791,920, plus strand): 5'-GCTCCAGCCCCACACCGGCCCTGCCCAGCTGGCTGGGGTGGAGCGGGTGCTGGGCTCAGG[C>T]CTGGGGGTCCTGCAGCAGCCCCAGCAGGGACTCCGCGATGCCCAGGAAGTAGACCACCTG-3'
Protein context (NP_001177990.1, residues 313-323): SLLGLLQDPQ[Ala323Thr]